The following is an entry in ClinVar:

ClinVar aggregate classification (germline): Uncertain significance (1 of 4 stars; one submission).

Conditions:
Cohen syndrome (COH1). Also called: PEPPER SYNDROME; Cutis verticis gyrata, retinitis pigmentosa, and sensorineural deafness. Identifiers: Orphanet 193, MedGen C0265223, MONDO:0008999, OMIM 216550.

Submission:

Labcorp Genetics (formerly Invitae), Labcorp
Classification: Uncertain significance for Cohen syndrome. Last evaluated: 2024-10-19. Review status: criteria provided, single submitter. Criteria: Invitae Variant Classification Sherloc (09022015). Collection method: clinical testing. Allele origin: germline.
Comment: This sequence change replaces aspartic acid, which is acidic and polar, with asparagine, which is neutral and polar, at codon 1381 of the VPS13B protein (p.Asp1381Asn). This variant is not present in population databases (gnomAD no frequency). This variant has not been reported in the literature in individuals affected with VPS13B-related conditions. Invitae Evidence Modeling of protein sequence and biophysical properties (such as structural, functional, and spatial information, amino acid conservation, physicochemical variation, residue mobility, and thermodynamic stability) indicates that this missense variant is not expected to disrupt VPS13B protein function with a negative predictive value of 80%. In summary, the available evidence is currently insufficient to determine the role of this variant in disease. Therefore, it has been classified as a Variant of Uncertain Significance.

NM_152564.5(VPS13B):c.4141G>A (p.Asp1381Asn)

Gene: VPS13B (vacuolar protein sorting 13 homolog B; plus strand). Cytogenetic location: 8q22.2.
Variant type: single nucleotide variant.
Coding change: c.4141G>A on transcript NM_152564.5 (MANE Select); coding-DNA position 4141, G replaced by A.
Protein change: p.Asp1381Asn; replaces aspartic acid 1381 with asparagine.
Molecular consequence: missense variant.
Genome position (GRCh38, 1-based): chr8:99,502,934, G>A. VCF-style: chr8-99502934-G-A. GRCh37 (hg19) VCF-style: chr8-100515162-G-A.
Other names: c.4141G>A, p.Asp1381Asn (NM_017890.5); short protein forms D1381N.
Identifiers: ClinVar variation 3720002 (VCV003720002.2).